The following is an entry in ClinVar:

NM_022765.4(MICAL1):c.448G>A (p.Gly150Ser)

Gene: MICAL1 (microtubule associated monooxygenase, calponin and LIM domain containing 1; minus strand). Cytogenetic location: 6q21.
Variant type: single nucleotide variant.
Coding change: c.448G>A on transcript NM_022765.4 (MANE Select); coding-DNA position 448, G replaced by A.
Protein change: p.Gly150Ser; replaces glycine 150 with serine.
Molecular consequence: missense variant.
Genome position (GRCh38, 1-based): chr6:109,453,656, C>T on the plus strand (G>A on the coding strand, the complement: MICAL1 is on the minus strand). VCF-style: chr6-109453656-C-T. GRCh37 (hg19) VCF-style: chr6-109774859-C-T.
Other names: c.448G>A, p.Gly150Ser (NM_001159291.2); c.505G>A, p.Gly169Ser (NM_001286613.2); short protein forms G150S, G169S.
Identifiers: ClinVar variation 2152016 (VCV002152016.4), dbSNP rs781228195, ClinGen allele CA3953783.

ClinVar aggregate classification (germline): Uncertain significance (1 of 4 stars; one submission).

Allele frequency attached by ClinVar (database versions not stated): TOPMed 0.00002; ExAC 0.00003; gnomAD 0.00005.
gnomAD v4.1: 23 of 1,607,378 alleles (0.0014%); highest among the groups gnomAD compares: East Asian, 0.018%; no homozygotes.

Submission:

Labcorp Genetics (formerly Invitae), Labcorp
Classification: Uncertain significance. Last evaluated: 2026-01-26. Review status: criteria provided, single submitter. Criteria: Invitae Variant Classification Sherloc (09022015). Collection method: clinical testing. Allele origin: germline.
Comment: This sequence change replaces glycine, which is neutral and non-polar, with serine, which is neutral and polar, at codon 169 of the MICAL1 protein (p.Gly169Ser). This variant is present in population databases (rs781228195, gnomAD 0.03%). This missense change has been observed in individual(s) with lateral temporal epilepsy (PMID: 29394500). It has also been observed to segregate with disease in related individuals. This variant is also known as p.Gly150Ser. ClinVar contains an entry for this variant (Variation ID: 2152016). An algorithm developed to predict the effect of missense changes on protein structure and function (PolyPhen-2) suggests that this variant is likely to be disruptive. Experimental studies have shown that this missense change affects MICAL1 function (PMID: 29394500). In summary, the available evidence is currently insufficient to determine the role of this variant in disease. Therefore, it has been classified as a Variant of Uncertain Significance.

Literature cited by the submitters: PubMed 29394500.